The following is an entry in ClinVar:

NM_001366028.2(DNAH12):c.3160T>G (p.Leu1054Val)

Gene: DNAH12 (dynein axonemal heavy chain 12; minus strand). Cytogenetic location: 3p14.3.
Variant type: single nucleotide variant.
Coding change: c.3160T>G on transcript NM_001366028.2 (MANE Select); coding-DNA position 3160, T replaced by G.
Protein change: p.Leu1054Val; replaces leucine 1054 with valine.
Molecular consequence: missense variant.
Genome position (GRCh38, 1-based): chr3:57,457,897, A>C on the plus strand (T>G on the coding strand, the complement: DNAH12 is on the minus strand). VCF-style: chr3-57457897-A-C. GRCh37 (hg19) VCF-style: chr3-57443624-A-C.
Other names: short protein forms L1054V.
Identifiers: ClinVar variation 3387960 (VCV003387960.14).

ClinVar aggregate classification (germline): Benign (1 of 4 stars; one submission).

Submission:

CeGaT Center for Human Genetics Tuebingen
Classification: Benign. Last evaluated: 2025-07-01. Review status: criteria provided, single submitter. Criteria: CeGaT Center For Human Genetics Tuebingen Variant Classification Criteria Version 2. Collection method: clinical testing. Allele origin: germline. Affected: yes. Observed: 2 variant alleles.
Comment: DNAH12: BS1, BS2